The following is an entry in ClinVar:

NM_000051.4(ATM):c.6843del (p.Gln2280_Tyr2281insTer)

Genes: ATM (ATM serine/threonine kinase; plus strand), C11orf65 (chromosome 11 open reading frame 65; minus strand). Cytogenetic location: 11q22.3.
Variant type: Deletion.
Coding change: c.6843del on transcript NM_000051.4 (MANE Select); coding-DNA position 6843, one base deleted (C; older notation c.6843delC).
Protein change: p.Gln2280_Tyr2281insTer.
Molecular consequence: nonsense. On other transcripts: intron variant (2).
Genome position (GRCh38, 1-based): chr11:108,326,093, C deleted. VCF-style (leftmost placement, unchanged base first): chr11-108326092-AC-A. GRCh37 (hg19) VCF-style: chr11-108196819-AC-A.
Other names: c.6843del, p.Gln2280_Tyr2281insTer (NM_001351834.2); c.641-17022del (NM_001330368.2); c.*38+9127del (NM_001351110.2).
Identifiers: ClinVar variation 569295 (VCV000569295.9), dbSNP rs1565520291, ClinGen allele CA891842655.

ClinVar aggregate classification (germline): Pathogenic (1 of 4 stars; one submission).

Conditions:
Ataxia-telangiectasia syndrome (AT). Also called: Cerebello-oculocutaneous telangiectasia; Immunodeficiency with ataxia telangiectasia; Ataxia-telangiectasia, complementation group E; Ataxia-telangiectasia, complementation group D; AT, COMPLEMENTATION GROUP C; ATAXIA-TELANGIECTASIA, COMPLEMENTATION GROUP A. Identifiers: Orphanet 100, MedGen C0004135, MONDO:0008840, OMIM 208900.

Submission:

Labcorp Genetics (formerly Invitae), Labcorp
Classification: Pathogenic for Ataxia-telangiectasia syndrome. Last evaluated: 2018-02-27. Review status: criteria provided, single submitter. Criteria: Invitae Variant Classification Sherloc (09022015). Collection method: clinical testing. Allele origin: germline.
Comment: A different variant, c.6843C>G, giving rise to the same protein effect observed here (p.Tyr2281*) has been observed in an individual affected with breast cancer (Invitae). For these reasons, this variant has been classified as Pathogenic. Loss-of-function variants in ATM are known to be pathogenic (PMID: 23807571, 25614872). This variant has not been reported in the literature in individuals with ATM-related disease. This variant is not present in population databases (ExAC no frequency). This sequence change creates a premature translational stop signal (p.Tyr2281*) in the ATM gene. It is expected to result in an absent or disrupted protein product.

Literature cited by the submitters: PubMed 23807571; PubMed 25614872.